The following is an entry in ClinVar:

NM_001916.5(CYC1):c.596A>T (p.Tyr199Phe)

Gene: CYC1 (cytochrome c1; plus strand). Cytogenetic location: 8q24.3.
Variant type: single nucleotide variant.
Coding change: c.596A>T on transcript NM_001916.5 (MANE Select); coding-DNA position 596, A replaced by T.
Protein change: p.Tyr199Phe; replaces tyrosine 199 with phenylalanine.
Molecular consequence: missense variant.
Genome position (GRCh38, 1-based): chr8:144,096,479, A>T. VCF-style: chr8-144096479-A-T. GRCh37 (hg19) VCF-style: chr8-145151382-A-T.
Other names: short protein forms Y199F.
Identifiers: ClinVar variation 1954189 (VCV001954189.5), dbSNP rs3211460, ClinGen allele CA187616344.

ClinVar aggregate classification (germline): Uncertain significance (1 of 4 stars; one submission).

Allele frequency attached by ClinVar (database versions not stated): TOPMed below 0.00001.
gnomAD v4.1: 5 of 1,614,138 alleles (0.00031%); highest among the groups gnomAD compares: Middle Eastern, 0.016%; no homozygotes.

Submission:

Labcorp Genetics (formerly Invitae), Labcorp
Classification: Uncertain significance. Last evaluated: 2022-04-22. Review status: criteria provided, single submitter. Criteria: Invitae Variant Classification Sherloc (09022015). Collection method: clinical testing. Allele origin: germline.
Comment: In summary, the available evidence is currently insufficient to determine the role of this variant in disease. Therefore, it has been classified as a Variant of Uncertain Significance. Algorithms developed to predict the effect of missense changes on protein structure and function (SIFT, PolyPhen-2, Align-GVGD) all suggest that this variant is likely to be tolerated. This variant has not been reported in the literature in individuals affected with CYC1-related conditions. This variant is not present in population databases (gnomAD no frequency). This sequence change replaces tyrosine, which is neutral and polar, with phenylalanine, which is neutral and non-polar, at codon 199 of the CYC1 protein (p.Tyr199Phe).